The following is an entry in ClinVar:

NM_000263.4(NAGLU):c.1267G>A (p.Val423Met)

Gene: NAGLU (N-acetyl-alpha-glucosaminidase; plus strand). Cytogenetic location: 17q21.2.
Variant type: single nucleotide variant.
Coding change: c.1267G>A on transcript NM_000263.4 (MANE Select); coding-DNA position 1267, G replaced by A.
Protein change: p.Val423Met; replaces valine 423 with methionine.
Molecular consequence: missense variant.
Genome position (GRCh38, 1-based): chr17:42,543,273, G>A. VCF-style: chr17-42543273-G-A. GRCh37 (hg19) VCF-style: chr17-40695291-G-A.
Other names: short protein forms V423M.
Identifiers: ClinVar variation 808270 (VCV000808270.46), dbSNP rs1237047553, ClinGen allele CA399601658.

ClinVar aggregate classification (germline): Uncertain significance. Review status: criteria provided, multiple submitters, no conflicts (2 of 4 stars). 2 submissions from 2 submitters: Uncertain significance (2). Last evaluated 2023-12-06.

Conditions:
Charcot-Marie-Tooth disease axonal type 2V. Also called: CHARCOT-MARIE-TOOTH NEUROPATHY, TYPE 2V; CHARCOT-MARIE-TOOTH DISEASE, AXONAL, AUTOSOMAL DOMINANT, TYPE 2V. Identifiers: Orphanet 447964, MedGen C5569050, MONDO:0014665, OMIM 616491.
Mucopolysaccharidosis, MPS-III-B (MPS3B). Also called: MPS IIIB (Sanfilippo Syndrome Type B); MPS III B; SANFILIPPO SYNDROME B; MUCOPOLYSACCHARIDOSIS, TYPE IIIB; N-ACETYL-ALPHA-D-GLUCOSAMINIDASE DEFICIENCY; NAGLU DEFICIENCY. Identifiers: Orphanet 79270, MedGen C0086648, MONDO:0009656, OMIM 252920.

Allele frequency attached by ClinVar (database versions not stated): gnomAD exomes below 0.00001 and 0.00001; gnomAD 0.00001; TOPMed 0.00002.
gnomAD v4.1: 13 of 1,613,912 alleles (0.00081%); highest among the groups gnomAD compares: Non-Finnish European, 0.001%; no homozygotes.

Submissions (2):

Labcorp Genetics (formerly Invitae), Labcorp
Classification: Uncertain significance for Charcot-Marie-Tooth disease axonal type 2V; Mucopolysaccharidosis, MPS-III-B. Last evaluated: 2023-12-06. Review status: criteria provided, single submitter. Criteria: Invitae Variant Classification Sherloc (09022015). Collection method: clinical testing. Allele origin: germline.
Comment: This sequence change replaces valine, which is neutral and non-polar, with methionine, which is neutral and non-polar, at codon 423 of the NAGLU protein (p.Val423Met). This variant is present in population databases (no rsID available, gnomAD 0.0009%). This variant has not been reported in the literature in individuals affected with NAGLU-related conditions. ClinVar contains an entry for this variant (Variation ID: 808270). Algorithms developed to predict the effect of missense changes on protein structure and function output the following: SIFT: "Not Available"; PolyPhen-2: "Possibly Damaging"; Align-GVGD: "Not Available". The methionine amino acid residue is found in multiple mammalian species, which suggests that this missense change does not adversely affect protein function. In summary, the available evidence is currently insufficient to determine the role of this variant in disease. Therefore, it has been classified as a Variant of Uncertain Significance.

CeGaT Center for Human Genetics Tuebingen
Classification: Uncertain significance. Last evaluated: 2018-02-01. Review status: criteria provided, single submitter. Criteria: CeGaT Center For Human Genetics Tuebingen Variant Classification Criteria Version 2. Collection method: clinical testing. Allele origin: germline. Affected: yes. Observed: 1 variant allele.